The following is an entry in ClinVar:

ClinVar aggregate classification (germline): Conflicting classifications of pathogenicity. Review status: criteria provided, conflicting classifications (1 of 4 stars). 2 submissions from 2 submitters: Uncertain significance (1); Likely benign (1). Last evaluated 2025-09-13.

Conditions:
Inborn genetic diseases. Identifiers: MedGen C0950123, MeSH D030342.
GPNMB-related disorder. Also called: GPNMB-related condition.

Allele frequency attached by ClinVar (database versions not stated): 1000 Genomes Project 0.00120; gnomAD 0.00125; 1000 Genomes Project 30x 0.00156; TOPMed 0.00158; ESP Exome Variant Server 0.00200.
gnomAD v4.1: 417 of 1,613,958 alleles (0.026%); highest among the groups gnomAD compares: African/African-American, 0.49%; 2 homozygotes.

Submissions (2):

PreventionGenetics, part of Exact Sciences
Classification: Likely benign for GPNMB-related condition. Last evaluated: 2025-09-13. Review status: criteria provided, single submitter. Criteria: ACMG Guidelines, 2015. Collection method: clinical testing. Allele origin: germline.
Comment: This variant is classified as likely benign based on ACMG/AMP sequence variant interpretation guidelines (Richards et al. 2015 PMID: 25741868, with internal and published modifications).

Ambry Genetics
Classification: Uncertain significance for Inborn genetic diseases. Last evaluated: 2023-01-23. Review status: criteria provided, single submitter. Criteria: Ambry Variant Classification Scheme 2023. Collection method: clinical testing. Allele origin: germline.

NM_002510.3(GPNMB):c.686T>C (p.Val229Ala)

Gene: GPNMB (glycoprotein nmb; plus strand). Cytogenetic location: 7p15.3.
Variant type: single nucleotide variant.
Coding change: c.686T>C on transcript NM_002510.3 (MANE Select); coding-DNA position 686, T replaced by C.
Protein change: p.Val229Ala; replaces valine 229 with alanine.
Molecular consequence: missense variant.
Genome position (GRCh38, 1-based): chr7:23,260,124, T>C. VCF-style: chr7-23260124-T-C. GRCh37 (hg19) VCF-style: chr7-23299743-T-C.
Other names: c.686T>C, p.Val229Ala (NM_001005340.2); short protein forms V229A.
Identifiers: ClinVar variation 2470515 (VCV002470515.3), dbSNP rs146153901, ClinGen allele CA4187484.